The following is an entry in ClinVar:

NM_004360.5(CDH1):c.1391T>C (p.Val464Ala)

Gene: CDH1 (cadherin 1; plus strand). Cytogenetic location: 16q22.1.
Variant type: single nucleotide variant.
Coding change: c.1391T>C on transcript NM_004360.5 (MANE Select); coding-DNA position 1391, T replaced by C.
Protein change: p.Val464Ala; replaces valine 464 with alanine.
Molecular consequence: missense variant. On other transcripts: 5 prime UTR variant (2).
Genome position (GRCh38, 1-based): chr16:68,815,585, T>C. VCF-style: chr16-68815585-T-C. GRCh37 (hg19) VCF-style: chr16-68849488-T-C.
Other names: c.1208T>C, p.Val403Ala (NM_001317184.2); c.-158T>C (NM_001317185.2); c.-429T>C (NM_001317186.2); short protein forms V403A, V464A.
Identifiers: ClinVar variation 1441199 (VCV001441199.6), dbSNP rs2152134812, ClinGen allele CA396462885.

ClinVar aggregate classification (germline): Uncertain significance (1 of 4 stars; one submission).

Conditions:
Hereditary diffuse gastric adenocarcinoma (HDGC). Also called: DIFFUSE GASTRIC AND LOBULAR BREAST CANCER SYNDROME. Identifiers: Orphanet 26106, MedGen C1708349, MONDO:0007648, OMIM 137215.

Submission:

Labcorp Genetics (formerly Invitae), Labcorp
Classification: Uncertain significance for Hereditary diffuse gastric adenocarcinoma. Last evaluated: 2021-08-12. Review status: criteria provided, single submitter. Criteria: Invitae Variant Classification Sherloc (09022015). Collection method: clinical testing. Allele origin: germline.
Comment: This variant has not been reported in the literature in individuals affected with CDH1-related conditions. In summary, the available evidence is currently insufficient to determine the role of this variant in disease. Therefore, it has been classified as a Variant of Uncertain Significance. Algorithms developed to predict the effect of missense changes on protein structure and function are either unavailable or do not agree on the potential impact of this missense change (SIFT: "Tolerated"; PolyPhen-2: "Possibly Damaging"; Align-GVGD: "Class C0"). This variant is not present in population databases (ExAC no frequency). This sequence change replaces valine with alanine at codon 464 of the CDH1 protein (p.Val464Ala). The valine residue is moderately conserved and there is a small physicochemical difference between valine and alanine.